The following is an entry in ClinVar:

ClinVar aggregate classification (germline): Benign/Likely benign. Review status: criteria provided, multiple submitters, no conflicts (2 of 4 stars). 6 submissions from 6 submitters: Benign (2); Likely benign (4). Last evaluated 2026-01-25.

Conditions:
Hereditary cancer-predisposing syndrome. Also called: Neoplastic Syndromes, Hereditary; Tumor predisposition; Hereditary Cancer Syndrome; Hereditary neoplastic syndrome. Identifiers: Orphanet 140162, MedGen C0027672, MeSH D009386, MONDO:0015356.
Tuberous sclerosis syndrome (TSC). Also called: Tuberous Sclerosis Complex; Tuberous sclerosis. Identifiers: Orphanet 805, MedGen C0041341, MONDO:0001734.
Tuberous sclerosis 2 (TSC2). Identifiers: Orphanet 805, MedGen C1860707, MONDO:0013199, OMIM 613254.

Allele frequency attached by ClinVar (database versions not stated): gnomAD exomes below 0.00001 and 0.00001; ExAC 0.00001.
gnomAD v4.1: 11 of 1,612,936 alleles (0.00068%); highest among the groups gnomAD compares: Non-Finnish European, 0.00093%; no homozygotes.

Submissions (6):

Labcorp Genetics (formerly Invitae), Labcorp
Classification: Likely benign for Tuberous sclerosis 2. Last evaluated: 2026-01-25. Review status: criteria provided, single submitter. Criteria: Invitae Variant Classification Sherloc (09022015). Collection method: clinical testing. Allele origin: germline.

Myriad Genetics, Inc.
Classification: Benign for Tuberous sclerosis 2. Last evaluated: 2025-06-06. Review status: criteria provided, single submitter. Criteria: Myriad Autosomal Dominant, Autosomal Recessive and X-Linked Classification Criteria (2023). Collection method: clinical testing. Allele origin: unknown.
Comment: This variant is considered benign. This variant is a silent/synonymous amino acid change and it is not expected to impact splicing.

Blueprint Genetics
Classification: Likely benign. Last evaluated: 2024-10-18. Review status: criteria provided, single submitter. Criteria: ACMG Guidelines, 2015. Collection method: clinical testing. Allele origin: germline.

All of Us Research Program, National Institutes of Health
Classification: Likely benign for Tuberous sclerosis syndrome. Last evaluated: 2023-12-01. Review status: criteria provided, single submitter. Criteria: ACMG Guidelines, 2015. Collection method: clinical testing. Allele origin: germline. Inheritance: Autosomal dominant inheritance. Observed: 5 variant alleles, 5 heterozygotes.
Comment: This study involves interpretation of variants in research participants for the purpose of population health screening. Participant phenotype was not available at the time of variant classification. Additional details can be found in publication PMID: 35346344, PMCID: PMC8962531

Genome-Nilou Lab
Classification: Benign for Tuberous sclerosis 2. Last evaluated: 2021-11-07. Review status: criteria provided, single submitter. Criteria: ACMG Guidelines, 2015. Collection method: clinical testing. Allele origin: germline. Affected: no.

Ambry Genetics
Classification: Likely benign for Hereditary cancer-predisposing syndrome. Last evaluated: 2019-02-14. Review status: criteria provided, single submitter. Criteria: Ambry Variant Classification Scheme 2023. Collection method: clinical testing. Allele origin: germline.

NM_000548.5(TSC2):c.5286C>T (p.Asn1762=)

Gene: TSC2 (TSC complex subunit 2; plus strand). Cytogenetic location: 16p13.3.
Variant type: single nucleotide variant.
Coding change: c.5286C>T on transcript NM_000548.5 (MANE Select); coding-DNA position 5286, C replaced by T.
Protein change: p.Asn1762=; no amino-acid change (asparagine 1762 retained).
Molecular consequence: synonymous variant.
Genome position (GRCh38, 1-based): chr16:2,088,472, C>T. VCF-style: chr16-2088472-C-T. GRCh37 (hg19) VCF-style: chr16-2138473-C-T.
Other names: c.5085C>T, p.Asn1695= (NM_001077183.3); c.5217C>T, p.Asn1739= (NM_001114382.3); c.4977C>T, p.Asn1659= (NM_001318827.2); c.4941C>T, p.Asn1647= (NM_001318829.2); c.4554C>T, p.Asn1518= (NM_001318831.2); c.5118C>T, p.Asn1706= (NM_001318832.2); c.5088C>T, p.Asn1696= (NM_001363528.2); c.5154C>T, p.Asn1718= (NM_001370404.1); and 2 more.
Identifiers: ClinVar variation 413700 (VCV000413700.21), dbSNP rs757204634, ClinGen allele CA054947.
Genomic context (GRCh38, chr16:2,088,472, plus strand): 5'-CCAGACTTACTGCCCAAGCCGCCTCTGCCTTCAGATCTGCGAGGAAGCCGCCTACTCCAA[C>T]CCCAGCCTACCTCTGGTGCACCCTCCGTCCCATAGCAAAGCCCCTGCACAGACTCCAGCC-3'
Protein context (NP_000539.2, residues 1752-1772): QRICEEAAYS[Asn1762=]PSLPLVHPPS